The following is an entry in ClinVar:

ClinVar aggregate classification (germline): Uncertain significance (1 of 4 stars; one submission).

gnomAD v4.1: 3 of 1,614,214 alleles (0.00019%); highest among the groups gnomAD compares: Non-Finnish European, 0.00025%; no homozygotes.

Submission:

Labcorp Genetics (formerly Invitae), Labcorp
Classification: Uncertain significance. Last evaluated: 2023-08-04. Review status: criteria provided, single submitter. Criteria: Invitae Variant Classification Sherloc (09022015). Collection method: clinical testing. Allele origin: germline.
Comment: In summary, the available evidence is currently insufficient to determine the role of this variant in disease. Therefore, it has been classified as a Variant of Uncertain Significance. Advanced modeling of protein sequence and biophysical properties (such as structural, functional, and spatial information, amino acid conservation, physicochemical variation, residue mobility, and thermodynamic stability) performed at Invitae indicates that this missense variant is not expected to disrupt TUBGCP4 protein function. ClinVar contains an entry for this variant (Variation ID: 2093618). This variant has not been reported in the literature in individuals affected with TUBGCP4-related conditions. This variant is not present in population databases (gnomAD no frequency). This sequence change replaces methionine, which is neutral and non-polar, with isoleucine, which is neutral and non-polar, at codon 500 of the TUBGCP4 protein (p.Met500Ile).

NM_014444.5(TUBGCP4):c.1497G>A (p.Met499Ile)

Gene: TUBGCP4 (tubulin gamma complex component 4; plus strand). Cytogenetic location: 15q15.3.
Variant type: single nucleotide variant.
Coding change: c.1497G>A on transcript NM_014444.5 (MANE Select); coding-DNA position 1497, G replaced by A.
Protein change: p.Met499Ile; replaces methionine 499 with isoleucine.
Molecular consequence: missense variant.
Genome position (GRCh38, 1-based): chr15:43,400,122, G>A. VCF-style: chr15-43400122-G-A. GRCh37 (hg19) VCF-style: chr15-43692320-G-A.
Other names: c.1500G>A, p.Met500Ile (NM_001286414.3); short protein forms M499I, M500I.
Identifiers: ClinVar variation 2093618 (VCV002093618.4), dbSNP rs2543083294, ClinGen allele CA392135900.